The following is an entry in ClinVar:

NM_006445.4(PRPF8):c.2789C>T (p.Ala930Val)

Gene: PRPF8 (pre-mRNA processing factor 8; minus strand). Cytogenetic location: 17p13.3.
Variant type: single nucleotide variant.
Coding change: c.2789C>T on transcript NM_006445.4 (MANE Select); coding-DNA position 2789, C replaced by T.
Protein change: p.Ala930Val; replaces alanine 930 with valine.
Molecular consequence: missense variant.
Genome position (GRCh38, 1-based): chr17:1,675,703, G>A on the plus strand (C>T on the coding strand, the complement: PRPF8 is on the minus strand). VCF-style: chr17-1675703-G-A. GRCh37 (hg19) VCF-style: chr17-1578997-G-A.
Other names: short protein forms A930V.
Identifiers: ClinVar variation 936733 (VCV000936733.7), dbSNP rs1912573317, ClinGen allele CA397547921.

ClinVar aggregate classification (germline): Uncertain significance (1 of 4 stars; one submission).

Submission:

Labcorp Genetics (formerly Invitae), Labcorp
Classification: Uncertain significance. Last evaluated: 2022-03-17. Review status: criteria provided, single submitter. Criteria: Invitae Variant Classification Sherloc (09022015). Collection method: clinical testing. Allele origin: germline.
Comment: Algorithms developed to predict the effect of missense changes on protein structure and function are either unavailable or do not agree on the potential impact of this missense change (SIFT: "Deleterious"; PolyPhen-2: "Possibly Damaging"; Align-GVGD: "Class C0"). In summary, the available evidence is currently insufficient to determine the role of this variant in disease. Therefore, it has been classified as a Variant of Uncertain Significance. ClinVar contains an entry for this variant (Variation ID: 936733). This sequence change replaces alanine, which is neutral and non-polar, with valine, which is neutral and non-polar, at codon 930 of the PRPF8 protein (p.Ala930Val). This variant is not present in population databases (gnomAD no frequency). This variant has not been reported in the literature in individuals affected with PRPF8-related conditions.